The following is an entry in ClinVar:

NM_177438.3(DICER1):c.1452T>G (p.Ile484Met)

Gene: DICER1 (dicer 1, ribonuclease III; minus strand). Cytogenetic location: 14q32.13.
Variant type: single nucleotide variant.
Coding change: c.1452T>G on transcript NM_177438.3 (MANE Select); coding-DNA position 1452, T replaced by G.
Protein change: p.Ile484Met; replaces isoleucine 484 with methionine.
Molecular consequence: missense variant. On other transcripts: 5 prime UTR variant (1), non-coding transcript variant (6).
Genome position (GRCh38, 1-based): chr14:95,117,679, A>C on the plus strand (T>G on the coding strand, the complement: DICER1 is on the minus strand). VCF-style: chr14-95117679-A-C. GRCh37 (hg19) VCF-style: chr14-95584016-A-C.
Other names: c.1452T>G, p.Ile484Met (NM_001195573.1, NM_001271282.3, NM_001291628.2 and 12 more transcripts); c.1170T>G, p.Ile390Met (NM_001395686.1); c.1047T>G, p.Ile349Met (NM_001395687.1, NM_001395688.1, NM_001395689.1 and 3 more transcripts); c.885T>G, p.Ile295Met (NM_001395691.1); c.-117T>G (NM_001395697.1); short protein forms I484M, I295M, I349M, I390M.
Identifiers: ClinVar variation 3720181 (VCV003720181.2).

ClinVar aggregate classification (germline): Uncertain significance (1 of 4 stars; one submission).

Conditions:
DICER1-related tumor predisposition. Also called: DICER1 syndrome; DICER1-related pleuropulmonary blastoma cancer predisposition syndrome. Identifiers: Orphanet 284343, MedGen C3839822, MONDO:0100216.

Submission:

Labcorp Genetics (formerly Invitae), Labcorp
Classification: Uncertain significance for DICER1-related tumor predisposition. Last evaluated: 2024-10-23. Review status: criteria provided, single submitter. Criteria: Invitae Variant Classification Sherloc (09022015). Collection method: clinical testing. Allele origin: germline.
Comment: This sequence change replaces isoleucine, which is neutral and non-polar, with methionine, which is neutral and non-polar, at codon 484 of the DICER1 protein (p.Ile484Met). This variant is not present in population databases (gnomAD no frequency). This variant has not been reported in the literature in individuals affected with DICER1-related conditions. Invitae Evidence Modeling of protein sequence and biophysical properties (such as structural, functional, and spatial information, amino acid conservation, physicochemical variation, residue mobility, and thermodynamic stability) indicates that this missense variant is not expected to disrupt DICER1 protein function with a negative predictive value of 95%. In summary, the available evidence is currently insufficient to determine the role of this variant in disease. Therefore, it has been classified as a Variant of Uncertain Significance.